The following is an entry in ClinVar:

NM_012232.6(CAVIN1):c.*1749T>C

Gene: CAVIN1 (caveolae associated protein 1; minus strand). Cytogenetic location: 17q21.2.
Variant type: single nucleotide variant.
Coding change: c.*1749T>C on transcript NM_012232.6 (MANE Select); 1749 bases downstream of the stop codon, T replaced by C.
Molecular consequence: 3 prime UTR variant.
Genome position (GRCh38, 1-based): chr17:42,402,938, A>G on the plus strand (T>C on the coding strand, the complement: CAVIN1 is on the minus strand). VCF-style: chr17-42402938-A-G. GRCh37 (hg19) VCF-style: chr17-40554956-A-G.
Identifiers: ClinVar variation 323258 (VCV000323258.6), dbSNP rs7212299, ClinGen allele CA10650144.

ClinVar aggregate classification (germline): Benign. Review status: criteria provided, multiple submitters, no conflicts (2 of 4 stars). 2 submissions from 2 submitters: Benign (2). Last evaluated 2017-04-27.

Conditions:
Congenital generalized lipodystrophy type 4. Also called: BERARDINELLI-SEIP CONGENITAL LIPODYSTROPHY, TYPE 4, WITH MUSCULAR DYSTROPHY. Identifiers: Orphanet 228429, MedGen C2750069, MONDO:0013225, OMIM 613327.

Allele frequency attached by ClinVar (database versions not stated): TOPMed 0.83706; gnomAD 0.84147; 1000 Genomes Project 30x 0.85041; 1000 Genomes Project 0.85923; gnomAD exomes 0.93000.
gnomAD v4.1: 128,567 of 152,140 alleles (85%); highest among the groups gnomAD compares: East Asian, 99%; 55,330 homozygotes.

Submissions (2):

Illumina Laboratory Services, Illumina
Classification: Benign for Congenital generalized lipodystrophy type 4. Last evaluated: 2017-04-27. Review status: criteria provided, single submitter. Criteria: ICSL Variant Classification Criteria 13 December 2019. Collection method: clinical testing. Allele origin: germline.
Comment: This variant was observed as part of a predisposition screen in an ostensibly healthy population. A literature search was performed for the gene, cDNA change, and amino acid change (where applicable). No publications were found based on this search. Allele frequency data from public databases was too high to be consistent with this variant causing disease. Therefore, this variant is classified as benign.

Breakthrough Genomics
Classification: Benign. Review status: criteria provided, single submitter. Criteria: ACMG Guidelines, 2015. Collection method: not provided. Allele origin: germline. Inheritance: Autosomal recessive inheritance. Affected: yes.